The following is an entry in ClinVar:

NM_176824.3(BBS7):c.1668_1669delinsAT (p.Ser556_Thr557delinsArgSer)

Gene: BBS7 (Bardet-Biedl syndrome 7; minus strand). Cytogenetic location: 4q27.
Variant type: Indel.
Coding change: c.1668_1669delinsAT on transcript NM_176824.3 (MANE Select); coding-DNA positions 1668 to 1669, TA replaced by AT.
Protein change: p.Ser556_Thr557delinsArgSer.
Molecular consequence: missense variant.
Genome position (GRCh38, 1-based): chr4:121,833,238-121,833,239, TA replaced by AT on the plus strand (TA replaced by AT on the coding strand, the reverse complement: BBS7 is on the minus strand). VCF-style: chr4-121833238-TA-AT. GRCh37 (hg19) VCF-style: chr4-122754393-TA-AT.
Other names: c.1668_1669delinsAT, p.Ser556_Thr557delinsArgSer (NM_018190.4).
Identifiers: ClinVar variation 2809843 (VCV002809843.3), dbSNP rs2476445162, ClinGen allele CA2739270278.

ClinVar aggregate classification (germline): Pathogenic (1 of 4 stars; one submission).

Conditions:
Bardet-Biedl syndrome (BBS). Identifiers: Orphanet 110, MedGen C0752166, MONDO:0015229.

Submission:

Labcorp Genetics (formerly Invitae), Labcorp
Classification: Pathogenic for Bardet-Biedl syndrome. Last evaluated: 2023-02-03. Review status: criteria provided, single submitter. Criteria: Invitae Variant Classification Sherloc (09022015). Collection method: clinical testing. Allele origin: germline.
Comment: This variant, c.1668_1669delinsAT, is a complex sequence change that results in the deletion of 2 and insertion of 2 amino acid(s) in the BBS7 protein (p.Ser556_Thr557delinsArgSer). Information on the frequency of this variant in the gnomAD database is not available, as this variant may be reported differently in the database. This variant has not been reported in the literature in individuals affected with BBS7-related conditions. Experimental studies and prediction algorithms are not available or were not evaluated, and the functional significance of this variant is currently unknown. This variant disrupts a region of the BBS7 protein in which other variant(s) (p.Ser556Arg) have been determined to be pathogenic (PMID: 19093007). This suggests that this is a clinically significant region of the protein, and that variants that disrupt it are likely to be disease-causing. For these reasons, this variant has been classified as Pathogenic.

Literature cited by the submitters: PubMed 19093007.